The following is an entry in ClinVar:

NM_003000.3(SDHB):c.614A>G (p.Lys205Arg)

Gene: SDHB (succinate dehydrogenase complex iron sulfur subunit B; minus strand). Cytogenetic location: 1p36.13.
Variant type: single nucleotide variant.
Coding change: c.614A>G on transcript NM_003000.3 (MANE Select); coding-DNA position 614, A replaced by G.
Protein change: p.Lys205Arg; replaces lysine 205 with arginine.
Molecular consequence: missense variant.
Genome position (GRCh38, 1-based): chr1:17,024,001, T>C on the plus strand (A>G on the coding strand, the complement: SDHB is on the minus strand). VCF-style: chr1-17024001-T-C. GRCh37 (hg19) VCF-style: chr1-17350496-T-C.
Other names: short protein forms K205R.
Identifiers: ClinVar variation 459161 (VCV000459161.14), dbSNP rs774090318, ClinGen allele CA089679.
Genomic context (GRCh38, chr1:17,024,001, plus strand): 5'-ATTTCTCTTAAAGCAATTAAGGAGCACCTCACCTGCATAAGAACTGCAGGCCCCAGATAT[T>C]TGTCTCCGTTCCACCAGTAGCTGGGGCAGCTGGTGCTACAGCAGGCACAGAGAATGCACT-3'
Protein context (NP_002991.2, residues 195-215): SCPSYWWNGD[Lys205Arg]YLGPAVLMQA

ClinVar aggregate classification (germline): Uncertain significance. Review status: criteria provided, multiple submitters, no conflicts (2 of 4 stars). 4 submissions from 4 submitters: Uncertain significance (4). Last evaluated 2025-07-23.

Conditions:
Gastrointestinal stromal tumor. Also called: Gastrointestinal stroma tumor; Gastrointestinal stromal tumor, somatic. Identifiers: Orphanet 44890, MedGen C0238198, MeSH D046152, MONDO:0011719, OMIM 606764, HP:0100723.
Pheochromocytoma. Also called: MAX-Related Hereditary Paraganglioma-Pheochromocytoma Syndrome. Identifiers: Orphanet 29072, MedGen C0031511, MONDO:0008233, OMIM 171300, HP:0002666.
Pheochromocytoma/paraganglioma syndrome 4. Also called: SDHB-Related Hereditary Paraganglioma-Pheochromocytoma Syndrome (Paragangliomas 4); CAROTID BODY TUMORS AND MULTIPLE EXTRAADRENAL PHEOCHROMOCYTOMAS; PARAGANGLIOMA, FAMILIAL MALIGNANT; PARAGANGLIOMAS, HEREDITARY EXTRAADRENAL; SDHB-Related Hereditary Paraganglioma-Pheochromocytoma Syndrome; PHEOCHROMOCYTOMA, FAMILIAL EXTRAADRENAL. Identifiers: Orphanet 29072, MedGen C1861848, MONDO:0007273, OMIM 115310.
Hereditary cancer-predisposing syndrome. Also called: Tumor predisposition; Hereditary neoplastic syndrome; Neoplastic Syndromes, Hereditary; Hereditary Cancer Syndrome. Identifiers: Orphanet 140162, MedGen C0027672, MeSH D009386, MONDO:0015356.

Allele frequency attached by ClinVar (database versions not stated): gnomAD exomes below 0.00001; ExAC 0.00001.
gnomAD v4.1: 4 of 1,613,956 alleles (0.00025%); highest among the groups gnomAD compares: South Asian, 0.0033%; no homozygotes.

Submissions (4):

Labcorp Genetics (formerly Invitae), Labcorp
Classification: Uncertain significance for Gastrointestinal stromal tumor; Pheochromocytoma/paraganglioma syndrome 4; Pheochromocytoma. Last evaluated: 2025-07-23. Review status: criteria provided, single submitter. Criteria: Invitae Variant Classification Sherloc (09022015). Collection method: clinical testing. Allele origin: germline.
Comment: This sequence change replaces lysine, which is basic and polar, with arginine, which is basic and polar, at codon 205 of the SDHB protein (p.Lys205Arg). This variant is present in population databases (rs774090318, gnomAD 0.003%). This variant has not been reported in the literature in individuals affected with SDHB-related conditions. ClinVar contains an entry for this variant (Variation ID: 459161). Invitae Evidence Modeling of protein sequence and biophysical properties (such as structural, functional, and spatial information, amino acid conservation, physicochemical variation, residue mobility, and thermodynamic stability) indicates that this missense variant is not expected to disrupt SDHB protein function with a negative predictive value of 80%. In summary, the available evidence is currently insufficient to determine the role of this variant in disease. Therefore, it has been classified as a Variant of Uncertain Significance.

GeneDx
Classification: Uncertain significance. Last evaluated: 2025-06-05. Review status: criteria provided, single submitter. Criteria: GeneDx Variant Classification Process June 2021. Collection method: clinical testing. Allele origin: germline. Affected: yes.
Comment: Not observed at significant frequency in large population cohorts (gnomAD); In silico analysis suggests that this missense variant does not alter protein structure/function; Has not been previously published as pathogenic or benign to our knowledge

Ambry Genetics
Classification: Uncertain significance for Hereditary cancer-predisposing syndrome. Last evaluated: 2025-03-28. Review status: criteria provided, single submitter. Criteria: Ambry Variant Classification Scheme 2023. Collection method: clinical testing. Allele origin: germline.
Comment: The p.K205R variant (also known as c.614A>G), located in coding exon 6 of the SDHB gene, results from an A to G substitution at nucleotide position 614. The lysine at codon 205 is replaced by arginine, an amino acid with highly similar properties. This amino acid position is highly conserved in available vertebrate species. In addition, this alteration is predicted to be deleterious by in silico analysis. Since supporting evidence is limited at this time, the clinical significance of this alteration remains unclear.

Baylor Genetics
Classification: Uncertain significance for Gastrointestinal stromal tumor. Last evaluated: 2023-12-21. Review status: criteria provided, single submitter. Criteria: ACMG Guidelines, 2015. Collection method: clinical testing. Allele origin: unknown.